The following is an entry in ClinVar:

ClinVar aggregate classification (germline): Uncertain significance (1 of 4 stars; one submission).

Submission:

GeneDx
Classification: Uncertain significance. Last evaluated: 2025-05-15. Review status: criteria provided, single submitter. Criteria: GeneDx Variant Classification Process June 2021. Collection method: clinical testing. Allele origin: germline. Affected: yes.
Comment: Not observed at significant frequency in large population cohorts (gnomAD); In silico analysis suggests that this missense variant does not alter protein structure/function; Has not been previously published as pathogenic or benign to our knowledge

NM_017635.5(KMT5B):c.20C>T (p.Ser7Phe)

Gene: KMT5B (lysine methyltransferase 5B; minus strand). Cytogenetic location: 11q13.2.
Variant type: single nucleotide variant.
Coding change: c.20C>T on transcript NM_017635.5 (MANE Select); coding-DNA position 20, C replaced by T.
Protein change: p.Ser7Phe; replaces serine 7 with phenylalanine.
Molecular consequence: missense variant. On other transcripts: 5 prime UTR variant (8), non-coding transcript variant (3), intron variant (2).
Genome position (GRCh38, 1-based): chr11:68,190,057, G>A on the plus strand (C>T on the coding strand, the complement: KMT5B is on the minus strand). VCF-style: chr11-68190057-G-A. GRCh37 (hg19) VCF-style: chr11-67957524-G-A.
Other names: c.-565C>T (NM_001300907.1); c.-648C>T (NM_001300908.2); c.20C>T, p.Ser7Phe (NM_001300909.2, NM_001363566.2, NM_001369426.1 and 2 more transcripts); c.-644C>T (NM_001369424.1, NM_001369431.1, NM_001369432.1); c.-858C>T (NM_001369428.1); c.-349C>T (NM_001369429.1); c.-1159C>T (NM_001369433.1); c.-434-4129C>T (NM_001369430.1); and 1 more; short protein forms S7F.
Identifiers: ClinVar variation 4529516 (VCV004529516.1).
Genomic context (GRCh38, chr11:68,190,057, plus strand): 5'-TGCTGATGGTCATTAGACAACTTGCCTCCATTTCTCCTGCCATTCACCACCATGTTCTTG[G>A]ATTCTCCCAACCACTTCATACCCACAGACAGCCTGACCCAGGTGCATTTAGTCACTCTCT-3'
Protein context (NP_060105.3, residues 1-17): MKWLGE[Ser7Phe]KNMVVNGRRN